The following is an entry in ClinVar:

NM_005670.4(EPM2A):c.179G>A (p.Trp60Ter)

Genes: EPM2A (EPM2A glucan phosphatase, laforin; minus strand), EPM2A-DT (EPM2A divergent transcript; plus strand), LOC129997381 (ATAC-STARR-seq lymphoblastoid silent region 17642; plus strand). Cytogenetic location: 6q24.3.
Variant type: single nucleotide variant.
Coding change: c.179G>A on transcript NM_005670.4 (MANE Select); coding-DNA position 179, G replaced by A.
Protein change: p.Trp60Ter; replaces tryptophan 60 with a stop codon.
Molecular consequence: nonsense. On other transcripts: 5 prime UTR variant (3), intron variant (1).
Genome position (GRCh38, 1-based): chr6:145,735,320, C>T on the plus strand (G>A on the coding strand, the complement: EPM2A is on the minus strand). VCF-style: chr6-145735320-C-T. GRCh37 (hg19) VCF-style: chr6-146056456-C-T.
Other names: NM_005670.4(EPM2A):c.179G>A; p.Trp60Ter; c.179G>A, p.Trp60Ter (NM_001018041.2, NM_001360057.2, NM_001368130.1); c.-491G>A (NM_001360071.2); c.-445G>A (NM_001368129.2); c.-189G>A (NM_001368131.1); c.-114+588G>A (NM_001360064.2); short protein forms W60*.
Identifiers: ClinVar variation 2431059 (VCV002431059.5), dbSNP rs1332729329, ClinGen allele CA366188101.

ClinVar aggregate classification (germline): Pathogenic/Likely pathogenic. Review status: criteria provided, multiple submitters, no conflicts (2 of 4 stars). 3 submissions from 3 submitters: Pathogenic (2); Likely pathogenic (1). Last evaluated 2025-01-07.

Conditions:
Progressive myoclonic epilepsy. Also called: Myoclonus epilepsy; Familial progressive myoclonic epilepsy; Progressive myoclonus epilepsy; Myoclonic Epilepsies, Progressive. Identifiers: Orphanet 308, Orphanet 98261, MedGen C0751778, MONDO:0020074.
Lafora disease. Also called: Epilepsy progressive myoclonic 2; Progressive Myoclonus Epilepsy, Lafora Type. Identifiers: Orphanet 501, MedGen C0751783, MONDO:0009697.

gnomAD v4.1: 1 of 1,461,372 alleles (0.000068%); highest among the groups gnomAD compares: Non-Finnish European, 0.000091%; no homozygotes.

Submissions (3):

Broad Center for Mendelian Genomics, Broad Institute of MIT and Harvard
Classification: Pathogenic for Lafora disease. Last evaluated: 2025-01-07. Review status: criteria provided, single submitter. Criteria: ACMG Guidelines, 2015. Collection method: curation. Allele origin: germline. Inheritance: Autosomal recessive inheritance.
Comment: The p.Trp60Ter variant in EPM2A has been reported, in the homozygous state, in 1 individual with Lafora disease (PMID: 10932264), and has been identified in 0.0001%% (1/1036608) of European (non-Finnish) chromosomes by the Genome Aggregation Database (gnomAD). Although this variant has been seen in the general population in a heterozygous state, its frequency is low enough to be consistent with a recessive carrier frequency. This variant has also been reported in ClinVar (Variation ID: 2431059) and has been interpreted as likely pathogenic by Pediatrics Genetics (Post Graduate Institute of Medical Education and Research) and Invitae. This nonsense variant leads to a premature termination codon at position 60, which is predicted to lead to a truncated or absent protein. Loss of function of the EPM2A is an established disease mechanism in autosomal recessive Lafora disease. In summary, this variant meets criteria to be classified as pathogenic for autosomal recessive Lafora disease. ACMG/AMP Criteria applied: PVS1, PM2_supporting, PM3_supporting (Richards 2015).

Labcorp Genetics (formerly Invitae), Labcorp
Classification: Pathogenic for Progressive myoclonic epilepsy. Last evaluated: 2023-07-29. Review status: criteria provided, single submitter. Criteria: Invitae Variant Classification Sherloc (09022015). Collection method: clinical testing. Allele origin: germline.
Comment: This sequence change creates a premature translational stop signal (p.Trp60*) in the EPM2A gene. It is expected to result in an absent or disrupted protein product. Loss-of-function variants in EPM2A are known to be pathogenic (PMID: 20738377). This variant is not present in population databases (gnomAD no frequency). This premature translational stop signal has been observed in individual(s) with Lafora disease (PMID: 10932264). ClinVar contains an entry for this variant (Variation ID: 2431059). For these reasons, this variant has been classified as Pathogenic.

Department of Paediatric Medicine, Post Graduation Institute of Medical Education and Research
Classification: Likely pathogenic for Myoclonic epilepsy of Lafora 1. Last evaluated: 2023-03-01. Review status: criteria provided, single submitter. Criteria: ACMG Guidelines, 2015. Collection method: clinical testing. Allele origin: inherited. Inheritance: Autosomal recessive inheritance. Affected: no. Observed: 1 variant allele, 1 heterozygote.
Comment: PVS1, PM2

Literature cited by the submitters: PubMed 20738377 (cited by Labcorp Genetics (formerly Invitae), Labcorp); PubMed 10932264 (cited by Labcorp Genetics (formerly Invitae), Labcorp).